The following is an entry in ClinVar:

NM_001040142.2(SCN2A):c.2735G>A (p.Cys912Tyr)

Gene: SCN2A (sodium voltage-gated channel alpha subunit 2; plus strand). Cytogenetic location: 2q24.3.
Variant type: single nucleotide variant.
Coding change: c.2735G>A on transcript NM_001040142.2 (MANE Select); coding-DNA position 2735, G replaced by A.
Protein change: p.Cys912Tyr; replaces cysteine 912 with tyrosine.
Molecular consequence: missense variant.
Genome position (GRCh38, 1-based): chr2:165,344,727, G>A. VCF-style: chr2-165344727-G-A. GRCh37 (hg19) VCF-style: chr2-166201237-G-A.
Other names: c.2735G>A, p.Cys912Tyr (NM_021007.3, NM_001371247.1, NM_001040143.2 and 1 more transcripts); short protein forms C912Y.
Identifiers: ClinVar variation 3759074 (VCV003759074.2).

ClinVar aggregate classification (germline): Uncertain significance (1 of 4 stars; one submission).

Conditions:
Developmental and epileptic encephalopathy, 11 (DEE11). Also called: Early infantile epileptic encephalopathy 11. Identifiers: Orphanet 1934, MedGen C3150987, MONDO:0013388, OMIM 613721.
Seizures, benign familial infantile, 3 (BFIS3). Also called: CONVULSIONS, BENIGN FAMILIAL INFANTILE, 3; Familial neonatal seizures. Identifiers: Orphanet 140927, Orphanet 306, MedGen C1843140, MONDO:0011904, OMIM 607745.

Submission:

Labcorp Genetics (formerly Invitae), Labcorp
Classification: Uncertain significance for Seizures, benign familial infantile, 3; Developmental and epileptic encephalopathy, 11. Last evaluated: 2024-12-16. Review status: criteria provided, single submitter. Criteria: Invitae Variant Classification Sherloc (09022015). Collection method: clinical testing. Allele origin: germline.
Comment: This sequence change replaces cysteine, which is neutral and slightly polar, with tyrosine, which is neutral and polar, at codon 912 of the SCN2A protein (p.Cys912Tyr). This variant is not present in population databases (gnomAD no frequency). This variant has not been reported in the literature in individuals affected with SCN2A-related conditions. Invitae Evidence Modeling of protein sequence and biophysical properties (such as structural, functional, and spatial information, amino acid conservation, physicochemical variation, residue mobility, and thermodynamic stability) indicates that this missense variant is expected to disrupt SCN2A protein function with a positive predictive value of 95%. In summary, the available evidence is currently insufficient to determine the role of this variant in disease. Therefore, it has been classified as a Variant of Uncertain Significance.